The following is an entry in ClinVar:

ClinVar aggregate classification (germline): Uncertain significance (1 of 4 stars; one submission).

Submission:

GeneDx
Classification: Uncertain significance. Last evaluated: 2023-05-22. Review status: criteria provided, single submitter. Criteria: GeneDx Variant Classification Process June 2021. Collection method: clinical testing. Allele origin: germline. Affected: yes.
Comment: Not observed at significant frequency in large population cohorts (gnomAD); In silico analysis is inconclusive as to whether the variant alters gene splicing. In the absence of RNA/functional studies, the actual effect of this sequence change is unknown.; Has not been previously published as pathogenic or benign to our knowledge

NM_001037333.3(CYFIP2):c.2818-12T>G

Gene: CYFIP2 (cytoplasmic FMR1 interacting protein 2; plus strand). Cytogenetic location: 5q33.3.
Variant type: single nucleotide variant.
Coding change: c.2818-12T>G on transcript NM_001037333.3 (MANE Select); 12 bases into the intron before coding-DNA position 2818, T replaced by G.
Molecular consequence: intron variant.
Genome position (GRCh38, 1-based): chr5:157,360,270, T>G. VCF-style: chr5-157360270-T-G. GRCh37 (hg19) VCF-style: chr5-156787278-T-G.
Other names: c.2893-12T>G (NM_001291722.2); c.2740-12T>G (NM_001291721.2); c.2818-12T>G (NM_014376.4).
Identifiers: ClinVar variation 3343799 (VCV003343799.1).
Genomic context (GRCh38, chr5:157,360,270, plus strand): 5'-GGTCTCAGCATAACCTCCATACCCCGCATAGCCCAGAATTCAGCCCACTCATCTGTACTC[T>G]TCTTTTGTCAGCTCCAAGGAACCATTCTCCAGTATGTGAAAACACTGATAGAGGTGATGC-3'